The following is an entry in ClinVar:

ClinVar aggregate classification (germline): Uncertain significance (1 of 4 stars; one submission).

Allele frequency attached by ClinVar (database versions not stated): ExAC 0.00001; gnomAD exomes 0.00001 and 0.00003; TOPMed 0.00001.
gnomAD v4.1: 34 of 1,211,583 alleles (0.0028%); highest among the groups gnomAD compares: Non-Finnish European, 0.0036%; no homozygotes.

Submission:

Labcorp Genetics (formerly Invitae), Labcorp
Classification: Uncertain significance. Last evaluated: 2025-01-20. Review status: criteria provided, single submitter. Criteria: Invitae Variant Classification Sherloc (09022015). Collection method: clinical testing. Allele origin: germline.
Comment: This sequence change replaces glycine, which is neutral and non-polar, with glutamic acid, which is acidic and polar, at codon 239 of the ATP6AP1 protein (p.Gly239Glu). This variant is present in population databases (rs782527203, gnomAD 0.001%). This variant has not been reported in the literature in individuals affected with ATP6AP1-related conditions. ClinVar contains an entry for this variant (Variation ID: 1480228). Invitae Evidence Modeling of protein sequence and biophysical properties (such as structural, functional, and spatial information, amino acid conservation, physicochemical variation, residue mobility, and thermodynamic stability) indicates that this missense variant is not expected to disrupt ATP6AP1 protein function with a negative predictive value of 80%. In summary, the available evidence is currently insufficient to determine the role of this variant in disease. Therefore, it has been classified as a Variant of Uncertain Significance.

NM_001183.6(ATP6AP1):c.716G>A (p.Gly239Glu)

Gene: ATP6AP1 (ATPase H+ transporting accessory protein 1; plus strand). Cytogenetic location: Xq28.
Variant type: single nucleotide variant.
Coding change: c.716G>A on transcript NM_001183.6 (MANE Select); coding-DNA position 716, G replaced by A.
Protein change: p.Gly239Glu; replaces glycine 239 with glutamic acid.
Molecular consequence: missense variant.
Genome position (GRCh38, 1-based): chrX:154,434,239, G>A. VCF-style: chrX-154434239-G-A. GRCh37 (hg19) VCF-style: chrX-153662585-G-A.
Other names: short protein forms G239E.
Identifiers: ClinVar variation 1480228 (VCV001480228.6), dbSNP rs782527203, ClinGen allele CA10562698.